The following is an entry in ClinVar:

ClinVar aggregate classification (germline): Uncertain significance (1 of 4 stars; one submission).

gnomAD v4.1: 6 of 1,612,792 alleles (0.00037%); highest among the groups gnomAD compares: Admixed American, 0.0067%; no homozygotes.

Submission:

Labcorp Genetics (formerly Invitae), Labcorp
Classification: Uncertain significance. Last evaluated: 2023-08-17. Review status: criteria provided, single submitter. Criteria: Invitae Variant Classification Sherloc (09022015). Collection method: clinical testing. Allele origin: germline.
Comment: In summary, the available evidence is currently insufficient to determine the role of this variant in disease. Therefore, it has been classified as a Variant of Uncertain Significance. Advanced modeling of protein sequence and biophysical properties (such as structural, functional, and spatial information, amino acid conservation, physicochemical variation, residue mobility, and thermodynamic stability) performed at Invitae indicates that this missense variant is not expected to disrupt USH1G protein function. ClinVar contains an entry for this variant (Variation ID: 1944831). This variant has not been reported in the literature in individuals affected with USH1G-related conditions. This variant is present in population databases (no rsID available, gnomAD 0.006%). This sequence change replaces methionine, which is neutral and non-polar, with valine, which is neutral and non-polar, at codon 401 of the USH1G protein (p.Met401Val).

NM_173477.5(USH1G):c.1201A>G (p.Met401Val)

Gene: USH1G (USH1 protein network component sans; minus strand). Cytogenetic location: 17q25.1.
Variant type: single nucleotide variant.
Coding change: c.1201A>G on transcript NM_173477.5 (MANE Select); coding-DNA position 1201, A replaced by G.
Protein change: p.Met401Val; replaces methionine 401 with valine.
Molecular consequence: missense variant.
Genome position (GRCh38, 1-based): chr17:74,919,635, T>C on the plus strand (A>G on the coding strand, the complement: USH1G is on the minus strand). VCF-style: chr17-74919635-T-C. GRCh37 (hg19) VCF-style: chr17-72915730-T-C.
Other names: c.892A>G, p.Met298Val (NM_001282489.3); short protein forms M298V, M401V.
Identifiers: ClinVar variation 1944831 (VCV001944831.5), dbSNP rs868106772, ClinGen allele CA293983547.